The following is an entry in ClinVar:

ClinVar aggregate classification (germline): Likely benign (0 of 4 stars; one submission).

Conditions:
CCNQ-related disorder. Also called: CCNQ-related condition.

Allele frequency attached by ClinVar (database versions not stated): ExAC 0.00001; TOPMed 0.00004; gnomAD 0.00005; gnomAD exomes 0.00006.
gnomAD v4.1: 66 of 1,210,114 alleles (0.0055%); highest among the groups gnomAD compares: Non-Finnish European, 0.0073%; no homozygotes.

Submission:

PreventionGenetics, part of Exact Sciences
Classification: Likely benign for CCNQ-related condition. Last evaluated: 2020-06-09. Review status: no assertion criteria provided. Collection method: clinical testing. Allele origin: germline.
Comment: This variant is classified as likely benign based on ACMG/AMP sequence variant interpretation guidelines (Richards et al. 2015 PMID: 25741868, with internal and published modifications).

NM_152274.5(CCNQ):c.297-4G>A

Gene: CCNQ (cyclin Q; minus strand). Cytogenetic location: Xq28.
Variant type: single nucleotide variant.
Coding change: c.297-4G>A on transcript NM_152274.5 (MANE Select); 4 bases into the intron before coding-DNA position 297, G replaced by A.
Molecular consequence: intron variant.
Genome position (GRCh38, 1-based): chrX:153,594,683, C>T on the plus strand (G>A on the coding strand, the complement: CCNQ is on the minus strand). VCF-style: chrX-153594683-C-T. GRCh37 (hg19) VCF-style: chrX-152860141-C-T.
Other names: c.297-4G>A (NM_001130997.3).
Identifiers: ClinVar variation 3036616 (VCV003036616.2), dbSNP rs782319474, ClinGen allele CA10548432.